The following is an entry in ClinVar:

NM_004946.3(DOCK2):c.4901G>A (p.Arg1634Lys)

Gene: DOCK2 (dedicator of cytokinesis 2; plus strand). Cytogenetic location: 5q35.1.
Variant type: single nucleotide variant.
Coding change: c.4901G>A on transcript NM_004946.3 (MANE Select); coding-DNA position 4901, G replaced by A.
Protein change: p.Arg1634Lys; replaces arginine 1634 with lysine.
Molecular consequence: missense variant. On other transcripts: non-coding transcript variant (1).
Genome position (GRCh38, 1-based): chr5:170,077,744, G>A. VCF-style: chr5-170077744-G-A. GRCh37 (hg19) VCF-style: chr5-169504748-G-A.
Other names: short protein forms R1634K.
Identifiers: ClinVar variation 1404909 (VCV001404909.4), dbSNP rs922581637, ClinGen allele CA362115595.

ClinVar aggregate classification (germline): Uncertain significance. Review status: criteria provided, multiple submitters, no conflicts (2 of 4 stars). 2 submissions from 2 submitters: Uncertain significance (2). Last evaluated 2022-08-16.

Conditions:
DOCK2 deficiency. Also called: Immunodeficiency 40. Identifiers: Orphanet 447737, MedGen C4225328, MONDO:0014637, OMIM 616433.

gnomAD v4.1: 3 of 1,613,868 alleles (0.00019%); highest among the groups gnomAD compares: Admixed American, 0.0017%; no homozygotes.

Submissions (2):

Labcorp Genetics (formerly Invitae), Labcorp
Classification: Uncertain significance for DOCK2 deficiency. Last evaluated: 2022-08-16. Review status: criteria provided, single submitter. Criteria: Invitae Variant Classification Sherloc (09022015). Collection method: clinical testing. Allele origin: germline.
Comment: This sequence change replaces arginine, which is basic and polar, with lysine, which is basic and polar, at codon 1634 of the DOCK2 protein (p.Arg1634Lys). This variant is not present in population databases (gnomAD no frequency). This variant has not been reported in the literature in individuals affected with DOCK2-related conditions. ClinVar contains an entry for this variant (Variation ID: 1404909). Algorithms developed to predict the effect of missense changes on protein structure and function (SIFT, PolyPhen-2, Align-GVGD) all suggest that this variant is likely to be tolerated. In summary, the available evidence is currently insufficient to determine the role of this variant in disease. Therefore, it has been classified as a Variant of Uncertain Significance.

Blueprint Genetics
Classification: Uncertain significance. Last evaluated: 2021-07-16. Review status: criteria provided, single submitter. Criteria: ACMG Guidelines, 2015. Collection method: clinical testing. Allele origin: germline.